The following is an entry in ClinVar:

NM_000097.7(CPOX):c.1276dup (p.Arg426fs)

Gene: CPOX (coproporphyrinogen oxidase; minus strand). Cytogenetic location: 3q11.2.
Variant type: Duplication.
Coding change: c.1276dup on transcript NM_000097.7 (MANE Select); coding-DNA position 1276, one base duplicated (C; older notation c.1276dupC).
Protein change: p.Arg426fs; shifts the reading frame from arginine 426.
Molecular consequence: frameshift variant.
Genome position (GRCh38, 1-based): chr3:98,581,408, G duplicated on the plus strand (C on the coding strand, the reverse complement: CPOX is on the minus strand); the first of 3 consecutive G bases (chr3:98,581,408-98,581,410); duplicating any one gives the same sequence. VCF-style (leftmost placement, unchanged base first): chr3-98581407-C-CG. GRCh37 (hg19) VCF-style: chr3-98300251-C-CG.
Other names: short protein forms R426fs.
Identifiers: ClinVar variation 4717000 (VCV004717000.1).

ClinVar aggregate classification (germline): Likely pathogenic (1 of 4 stars; one submission).

Submission:

Labcorp Genetics (formerly Invitae), Labcorp
Classification: Likely pathogenic. Last evaluated: 2025-04-09. Review status: criteria provided, single submitter. Criteria: Invitae Variant Classification Sherloc (09022015). Collection method: clinical testing. Allele origin: germline.
Comment: This sequence change creates a premature translational stop signal (p.Arg426Profs*16) in the CPOX gene. While this is not anticipated to result in nonsense mediated decay, it is expected to disrupt the last 29 amino acid(s) of the CPOX protein. This variant is not present in population databases (gnomAD no frequency). This variant has not been reported in the literature in individuals affected with CPOX-related conditions. This variant disrupts the C-terminus of the CPOX protein. Other variant(s) that disrupt this region (p.Arg426*, p.Trp427*) have been observed in individuals with CPOX-related conditions (PMID: 11202054, 11309681, 15896662, 30476629). This suggests that this may be a clinically significant region of the protein. In summary, the currently available evidence indicates that the variant is pathogenic, but additional data are needed to prove that conclusively. Therefore, this variant has been classified as Likely Pathogenic.

Literature cited by the submitters: PubMed 11202054; PubMed 11309681; PubMed 15896662; PubMed 30476629.